The following is an entry in ClinVar:

ClinVar aggregate classification (germline): Uncertain significance (1 of 4 stars; one submission).

Conditions:
Lissencephaly 9 with complex brainstem malformation. Identifiers: Orphanet 572013, MedGen C5193029, MONDO:0032677, OMIM 618325.

Submission:

Laboratorio de Genetica e Diagnostico Molecular, Hospital Israelita Albert Einstein
Classification: Uncertain significance for Lissencephaly 9 with complex brainstem malformation. Last evaluated: 2025-02-07. Review status: criteria provided, single submitter. Criteria: ACMG Guidelines, 2015. Collection method: clinical testing. Allele origin: germline. Affected: yes.
Comment: ACMG classification criteria: PM2 supporting, PP2 supporting, BP4 supporting

NM_001394062.1(MACF1):c.10551C>A (p.Asp3517Glu)

Gene: MACF1 (microtubule actin crosslinking factor 1; plus strand). Cytogenetic location: 1p34.3.
Variant type: single nucleotide variant.
Coding change: c.10551C>A on transcript NM_001394062.1 (MANE Select); coding-DNA position 10551, C replaced by A.
Protein change: p.Asp3517Glu; replaces aspartic acid 3517 with glutamic acid.
Molecular consequence: missense variant. On other transcripts: intron variant (1).
Genome position (GRCh38, 1-based): chr1:39,340,923, C>A. VCF-style: chr1-39340923-C-A. GRCh37 (hg19) VCF-style: chr1-39806595-C-A.
Other names: c.4630-8555C>A (NM_012090.5); short protein forms D3517E.
Identifiers: ClinVar variation 4056589 (VCV004056589.1).